The following is an entry in ClinVar:

NM_014806.5(RUSC2):c.435T>A (p.Ser145=)

Gene: RUSC2 (RUN and SH3 domain containing 2; plus strand). Cytogenetic location: 9p13.3.
Variant type: single nucleotide variant.
Coding change: c.435T>A on transcript NM_014806.5 (MANE Select); coding-DNA position 435, T replaced by A.
Protein change: p.Ser145=; no amino-acid change (serine 145 retained).
Molecular consequence: synonymous variant. On other transcripts: non-coding transcript variant (1), intron variant (1).
Genome position (GRCh38, 1-based): chr9:35,546,956, T>A. VCF-style: chr9-35546956-T-A. GRCh37 (hg19) VCF-style: chr9-35546953-T-A.
Other names: c.435T>A, p.Ser145= (NM_001135999.2); c.-620-8104T>A (NM_001330740.2).
Identifiers: ClinVar variation 1533594 (VCV001533594.38), dbSNP rs1200120971, ClinGen allele CA464605853.

ClinVar aggregate classification (germline): Likely benign. Review status: criteria provided, multiple submitters, no conflicts (2 of 4 stars). 2 submissions from 2 submitters: Likely benign (2). Last evaluated 2022-12-20.

Allele frequency attached by ClinVar (database versions not stated): gnomAD 0.00001; gnomAD exomes 0.00001; TOPMed 0.00001.
gnomAD v4.1: 18 of 1,578,050 alleles (0.0011%); highest among the groups gnomAD compares: Non-Finnish European, 0.0015%; no homozygotes.

Submissions (2):

Labcorp Genetics (formerly Invitae), Labcorp
Classification: Likely benign. Last evaluated: 2022-12-20. Review status: criteria provided, single submitter. Criteria: Invitae Variant Classification Sherloc (09022015). Collection method: clinical testing. Allele origin: germline.

CeGaT Center for Human Genetics Tuebingen
Classification: Likely benign. Last evaluated: 2022-03-01. Review status: criteria provided, single submitter. Criteria: CeGaT Center For Human Genetics Tuebingen Variant Classification Criteria Version 2. Collection method: clinical testing. Allele origin: germline. Affected: yes. Observed: 1 variant allele.
Comment: RUSC2: BP4, BP7